The following is an entry in ClinVar:

ClinVar aggregate classification (germline): Uncertain significance (1 of 4 stars; one submission).

Conditions:
Hypertrophic cardiomyopathy. Also called: HYPERTROPHIC MYOCARDIOPATHY. Identifiers: Orphanet 217569, MedGen C0007194, MeSH D002312, MONDO:0005045, HP:0001639.

Submission:

Labcorp Genetics (formerly Invitae), Labcorp
Classification: Uncertain significance for Hypertrophic cardiomyopathy. Last evaluated: 2021-03-22. Review status: criteria provided, single submitter. Criteria: Invitae Variant Classification Sherloc (09022015). Collection method: clinical testing. Allele origin: germline.
Comment: In summary, the available evidence is currently insufficient to determine the role of this variant in disease. Therefore, it has been classified as a Variant of Uncertain Significance. Algorithms developed to predict the effect of missense changes on protein structure and function are either unavailable or do not agree on the potential impact of this missense change (SIFT: "Deleterious"; PolyPhen-2: "Probably Damaging"; Align-GVGD: "Class C0"). This variant has not been reported in the literature in individuals with MYBPC3-related conditions. This variant is not present in population databases (ExAC no frequency). This sequence change replaces isoleucine with asparagine at codon 403 of the MYBPC3 protein (p.Ile403Asn). The isoleucine residue is highly conserved and there is a large physicochemical difference between isoleucine and asparagine.

NM_000256.3(MYBPC3):c.1208T>A (p.Ile403Asn)

Gene: MYBPC3 (myosin binding protein C3; minus strand). Cytogenetic location: 11p11.2.
Variant type: single nucleotide variant.
Coding change: c.1208T>A on transcript NM_000256.3 (MANE Select); coding-DNA position 1208, T replaced by A.
Protein change: p.Ile403Asn; replaces isoleucine 403 with asparagine.
Molecular consequence: missense variant.
Genome position (GRCh38, 1-based): chr11:47,343,507, A>T on the plus strand (T>A on the coding strand, the complement: MYBPC3 is on the minus strand). VCF-style: chr11-47343507-A-T. GRCh37 (hg19) VCF-style: chr11-47365058-A-T.
Other names: short protein forms I403N.
Identifiers: ClinVar variation 1518176 (VCV001518176.8), dbSNP rs2142862190, ClinGen allele CA380328506.